The following is an entry in ClinVar:

NM_001080397.3(SLC45A1):c.170G>A (p.Arg57His)

Gene: SLC45A1 (solute carrier family 45 member 1; plus strand). Cytogenetic location: 1p36.23.
Variant type: single nucleotide variant.
Coding change: c.170G>A on transcript NM_001080397.3 (MANE Select); coding-DNA position 170, G replaced by A.
Protein change: p.Arg57His; replaces arginine 57 with histidine.
Molecular consequence: missense variant. On other transcripts: intron variant (2).
Genome position (GRCh38, 1-based): chr1:8,324,499, G>A. VCF-style: chr1-8324499-G-A. GRCh37 (hg19) VCF-style: chr1-8384559-G-A.
Other names: c.170G>A, p.Arg57His (NM_001379614.1, NM_001379615.1, NM_001379616.1); c.-116-1319G>A (NM_001379617.1, NM_001379618.1); short protein forms R57H.
Identifiers: ClinVar variation 3242175 (VCV003242175.2), dbSNP rs553880338.
Genomic context (GRCh38, chr1:8,324,499, plus strand): 5'-GACACCTCAGTCACCGGGCCAACAACTTCAAACGACACCCCAAGAGGAGGAAGTGCATTC[G>A]TCCCTCCCCACCCCCGCCCCCCAACACCCCGTGCCCGCTTGAGCTGGTGGACTTCGGGGA-3'
Protein context (NP_001073866.3, residues 47-67): KRHPKRRKCI[Arg57His]PSPPPPPNTP

ClinVar aggregate classification (germline): Uncertain significance (1 of 4 stars; one submission).

Conditions:
Intellectual developmental disorder with neuropsychiatric features. Identifiers: MedGen C4479636, MONDO:0044322, OMIM 617532.

Allele frequency attached by ClinVar (database versions not stated): gnomAD exomes 0.00003; TOPMed 0.00005; ExAC 0.00008; gnomAD 0.00009; 1000 Genomes Project 30x 0.00016; 1000 Genomes Project 0.00020.

Submission:

Neuberg Centre For Genomic Medicine, NCGM
Classification: Uncertain significance for Intellectual developmental disorder with neuropsychiatric features. Last evaluated: 2023-06-22. Review status: criteria provided, single submitter. Criteria: ACMG Guidelines, 2015. Collection method: clinical testing. Allele origin: germline. Inheritance: Autosomal recessive inheritance. Affected: yes.
Comment: The missense c.170G>A (p.Arg57His) variant in the SLC45A1 gene has not been reported previously as a pathogenic variant nor as a benign variant, to our knowledge. This variant is reported with the allele frequency of 0.005% in the gnomAD Exomes. This variant has not been reported to the ClinVar database. Computational evidence (SIFT - Damaging and MutationTaster - Disease causing) predict damaging effect on protein structure and function for this variant. The reference amino acid at this position in SLC45A1 is predicted as conserved by GERP++ and PhyloP across 100 vertebrates. The amino acid Arginine at position 57 is changed to a Histidine changing protein sequence and it might alter its composition and physico-chemical properties. For these reasons, this variant has been classified as Variant of Uncertain Significance (VUS).